The following is an entry in ClinVar:

ClinVar aggregate classification (germline): Uncertain significance (1 of 4 stars; one submission).

Conditions:
Duchenne muscular dystrophy (DMD). Also called: MUSCULAR DYSTROPHY, PSEUDOHYPERTROPHIC PROGRESSIVE, DUCHENNE TYPE; Duchenne Muscular Dystrophy (DMD). Identifiers: Orphanet 98896, MedGen C0013264, MONDO:0010679, OMIM 310200.

Allele frequency attached by ClinVar (database versions not stated): ExAC 0.00001; gnomAD 0.00001.
gnomAD v4.1: 1 of 1,209,125 alleles (0.000083%); highest among the groups gnomAD compares: Non-Finnish European, 0.00011%; no homozygotes.

Submission:

Labcorp Genetics (formerly Invitae), Labcorp
Classification: Uncertain significance for Duchenne muscular dystrophy. Last evaluated: 2022-03-26. Review status: criteria provided, single submitter. Criteria: Invitae Variant Classification Sherloc (09022015). Collection method: clinical testing. Allele origin: germline.
Comment: This sequence change replaces glutamine, which is neutral and polar, with arginine, which is basic and polar, at codon 956 of the DMD protein (p.Gln956Arg). This variant is present in population databases (rs755414598, gnomAD 0.006%). This variant has not been reported in the literature in individuals affected with DMD-related conditions. Algorithms developed to predict the effect of missense changes on protein structure and function (SIFT, PolyPhen-2, Align-GVGD) all suggest that this variant is likely to be disruptive. In summary, the available evidence is currently insufficient to determine the role of this variant in disease. Therefore, it has been classified as a Variant of Uncertain Significance.

NM_004006.3(DMD):c.2867A>G (p.Gln956Arg)

Gene: DMD (dystrophin; minus strand). Cytogenetic location: Xp21.1.
Variant type: single nucleotide variant.
Coding change: c.2867A>G on transcript NM_004006.3 (MANE Select); coding-DNA position 2867, A replaced by G.
Protein change: p.Gln956Arg; replaces glutamine 956 with arginine.
Molecular consequence: missense variant.
Genome position (GRCh38, 1-based): chrX:32,472,246, T>C on the plus strand (A>G on the coding strand, the complement: DMD is on the minus strand). VCF-style: chrX-32472246-T-C. GRCh37 (hg19) VCF-style: chrX-32490363-T-C.
Other names: c.2843A>G, p.Gln948Arg (NM_000109.4); c.2855A>G, p.Gln952Arg (NM_004009.3); c.2498A>G, p.Gln833Arg (NM_004010.3); short protein forms Q948R, Q956R, Q833R, Q952R.
Identifiers: ClinVar variation 1939374 (VCV001939374.2), dbSNP rs755414598, ClinGen allele CA10379417.